The following is an entry in ClinVar:

ClinVar aggregate classification (germline): Uncertain significance (1 of 4 stars; one submission).

Submission:

GeneDx
Classification: Uncertain significance. Last evaluated: 2023-12-04. Review status: criteria provided, single submitter. Criteria: GeneDx Variant Classification Process June 2021. Collection method: clinical testing. Allele origin: germline. Affected: yes.
Comment: Not observed at significant frequency in large population cohorts (gnomAD); In silico analysis supports that this missense variant does not alter protein structure/function; Has not been previously published as pathogenic or benign to our knowledge

NM_015021.3(ZNF292):c.7531A>G (p.Ser2511Gly)

Gene: ZNF292 (zinc finger protein 292; plus strand). Cytogenetic location: 6q14.3.
Variant type: single nucleotide variant.
Coding change: c.7531A>G on transcript NM_015021.3 (MANE Select); coding-DNA position 7531, A replaced by G.
Protein change: p.Ser2511Gly; replaces serine 2511 with glycine.
Molecular consequence: missense variant.
Genome position (GRCh38, 1-based): chr6:87,261,160, A>G. VCF-style: chr6-87261160-A-G. GRCh37 (hg19) VCF-style: chr6-87970878-A-G.
Other names: c.7111A>G, p.Ser2371Gly (NM_001351444.2); short protein forms S2371G, S2511G.
Identifiers: ClinVar variation 3365065 (VCV003365065.1).